The following is an entry in ClinVar:

ClinVar aggregate classification (germline): Conflicting classifications of pathogenicity. Review status: criteria provided, conflicting classifications (1 of 4 stars). 2 submissions from 2 submitters: Uncertain significance (1); Likely benign (1). Last evaluated 2026-01-21.

Conditions:
Inborn genetic diseases. Identifiers: MedGen C0950123, MeSH D030342.
Developmental and epileptic encephalopathy 94 (DEE94). Also called: CHD2-Related Neurodevelopmental Disorders; Epileptic encephalopathy, childhood-onset. Identifiers: Orphanet 1942, Orphanet 2382, MedGen C3809278, MONDO:0014150, OMIM 615369.

Submissions (2):

Ambry Genetics
Classification: Likely benign for Inborn genetic diseases. Last evaluated: 2026-01-21. Review status: criteria provided, single submitter. Criteria: Ambry Variant Classification Scheme 2023. Collection method: clinical testing. Allele origin: germline.

Labcorp Genetics (formerly Invitae), Labcorp
Classification: Uncertain significance for Developmental and epileptic encephalopathy 94. Last evaluated: 2025-10-28. Review status: criteria provided, single submitter. Criteria: Invitae Variant Classification Sherloc (09022015). Collection method: clinical testing. Allele origin: germline.
Comment: This variant, c.3099_3101del, results in the deletion of 1 amino acid(s) of the CHD2 protein (p.Glu1034del), but otherwise preserves the integrity of the reading frame. This variant is present in population databases (no rsID available, gnomAD 0.007%). This variant has not been reported in the literature in individuals affected with CHD2-related conditions. Experimental studies and prediction algorithms are not available or were not evaluated, and the functional significance of this variant is currently unknown. In summary, the available evidence is currently insufficient to determine the role of this variant in disease. Therefore, it has been classified as a Variant of Uncertain Significance.

NM_001271.4(CHD2):c.3096AGA[1] (p.Glu1034del)

Gene: CHD2 (chromodomain helicase DNA binding protein 2; plus strand). Cytogenetic location: 15q26.1.
Variant type: Microsatellite.
Coding change: c.3096AGA[1] on transcript NM_001271.4 (MANE Select); one copy of the 3-base unit AGA starting at c.3096; the reference has two copies in a row; one copy, 3 bases deleted.
Protein change: p.Glu1034del; deletes glutamic acid 1034.
Molecular consequence: inframe deletion.
Genome position (GRCh38, 1-based): chr15:92,984,362-92,984,364, AGA deleted; deleting any 3 consecutive bases within chr15:92,984,357-92,984,364 gives the same sequence; the position shown is the placement nearest the transcript's 3' end. VCF-style (leftmost placement, unchanged base first): chr15-92984356-TGAA-T. GRCh37 (hg19) VCF-style: chr15-93527586-TGAA-T.
Other names: c.3099_3101delAGA (NM_001271.3); short protein forms E1034del.
Identifiers: ClinVar variation 1467094 (VCV001467094.7), dbSNP rs1439253837, ClinGen allele CA619862832.